The following is an entry in ClinVar:

NM_016169.4(SUFU):c.260A>G (p.His87Arg)

Gene: SUFU (SUFU negative regulator of hedgehog signaling; plus strand). Cytogenetic location: 10q24.32.
Variant type: single nucleotide variant.
Coding change: c.260A>G on transcript NM_016169.4 (MANE Select); coding-DNA position 260, A replaced by G.
Protein change: p.His87Arg; replaces histidine 87 with arginine.
Molecular consequence: missense variant.
Genome position (GRCh38, 1-based): chr10:102,509,246, A>G. VCF-style: chr10-102509246-A-G. GRCh37 (hg19) VCF-style: chr10-104269003-A-G.
Other names: c.260A>G, p.His87Arg (NM_001178133.2); short protein forms H87R.
Identifiers: ClinVar variation 5030396 (VCV005030396.1).

ClinVar aggregate classification (germline): Uncertain significance (1 of 4 stars; one submission).

Conditions:
Hereditary cancer-predisposing syndrome. Also called: Neoplastic Syndromes, Hereditary; Tumor predisposition; Hereditary neoplastic syndrome; Hereditary Cancer Syndrome. Identifiers: Orphanet 140162, MedGen C0027672, MeSH D009386, MONDO:0015356.

gnomAD v4.1: 1 of 1,614,208 alleles (0.000062%); highest among the groups gnomAD compares: Non-Finnish European, 0.000085%; no homozygotes.

Submission:

Ambry Genetics
Classification: Uncertain significance for Hereditary cancer-predisposing syndrome. Last evaluated: 2026-07-07. Review status: criteria provided, single submitter. Criteria: Ambry Variant Classification Scheme 2023. Collection method: clinical testing. Allele origin: germline.
Comment: The p.H87R variant (also known as c.260A>G), located in coding exon 2 of the SUFU gene, results from an A to G substitution at nucleotide position 260. The histidine at codon 87 is replaced by arginine, an amino acid with highly similar properties. This amino acid position is conserved. In addition, this alteration is predicted to be deleterious by in silico analysis. Based on the available evidence, the clinical significance of this variant remains unclear.